The following is an entry in ClinVar:

NM_005751.5(AKAP9):c.546G>T (p.Arg182Ser)

Gene: AKAP9 (A-kinase anchoring protein 9; plus strand). Cytogenetic location: 7q21.2.
Variant type: single nucleotide variant.
Coding change: c.546G>T on transcript NM_005751.5 (MANE Select); coding-DNA position 546, G replaced by T.
Protein change: p.Arg182Ser; replaces arginine 182 with serine.
Molecular consequence: missense variant.
Genome position (GRCh38, 1-based): chr7:91,993,025, G>T. VCF-style: chr7-91993025-G-T. GRCh37 (hg19) VCF-style: chr7-91622339-G-T.
Other names: c.546G>T, p.Arg182Ser (NM_147185.3); c.546G>T (NM_005751.4); short protein forms R182S.
Identifiers: ClinVar variation 1373696 (VCV001373696.10), dbSNP rs779393285, ClinGen allele CA161901832.

ClinVar aggregate classification (germline): Uncertain significance. Review status: criteria provided, multiple submitters, no conflicts (2 of 4 stars). 2 submissions from 2 submitters: Uncertain significance (2). Last evaluated 2024-12-07.

Conditions:
Cardiovascular phenotype. Identifiers: MedGen CN230736.
Long QT syndrome (LQTS). Identifiers: MedGen C0023976, MeSH D008133, MONDO:0002442. Disease mechanism: loss of function. Inheritance: Various modes of inheritance.

Allele frequency attached by ClinVar (database versions not stated): gnomAD 0.00001; gnomAD exomes 0.00001.
gnomAD v4.1: 23 of 1,613,800 alleles (0.0014%); highest among the groups gnomAD compares: Non-Finnish European, 0.0019%; no homozygotes.

Submissions (2):

Ambry Genetics
Classification: Uncertain significance for Cardiovascular phenotype. Last evaluated: 2024-12-07. Review status: criteria provided, single submitter. Criteria: Ambry Variant Classification Scheme 2023. Collection method: clinical testing. Allele origin: germline.
Comment: The p.R182S variant (also known as c.546G>T), located in coding exon 5 of the AKAP9 gene, results from a G to T substitution at nucleotide position 546. The arginine at codon 182 is replaced by serine, an amino acid with dissimilar properties. This amino acid position is conserved. In addition, the in silico prediction for this alteration is inconclusive. Based on the available evidence, the clinical significance of this variant remains unclear.

Labcorp Genetics (formerly Invitae), Labcorp
Classification: Uncertain significance for Long QT syndrome. Last evaluated: 2024-05-22. Review status: criteria provided, single submitter. Criteria: Invitae Variant Classification Sherloc (09022015). Collection method: clinical testing. Allele origin: germline.
Comment: This sequence change replaces arginine, which is basic and polar, with serine, which is neutral and polar, at codon 182 of the AKAP9 protein (p.Arg182Ser). This variant is present in population databases (rs779393285, gnomAD 0.002%). This variant has not been reported in the literature in individuals affected with AKAP9-related conditions. ClinVar contains an entry for this variant (Variation ID: 1373696). An algorithm developed to predict the effect of missense changes on protein structure and function (PolyPhen-2) suggests that this variant is likely to be disruptive. In summary, the available evidence is currently insufficient to determine the role of this variant in disease. Therefore, it has been classified as a Variant of Uncertain Significance.